The following is an entry in ClinVar:

NM_023110.3(FGFR1):c.303C>G (p.Cys101Trp)

Gene: FGFR1 (fibroblast growth factor receptor 1; minus strand). Cytogenetic location: 8p11.23.
Variant type: single nucleotide variant.
Coding change: c.303C>G on transcript NM_023110.3 (MANE Select); coding-DNA position 303, C replaced by G.
Protein change: p.Cys101Trp; replaces cysteine 101 with tryptophan.
Molecular consequence: missense variant. On other transcripts: intron variant (5).
Genome position (GRCh38, 1-based): chr8:38,429,737, G>C on the plus strand (C>G on the coding strand, the complement: FGFR1 is on the minus strand). VCF-style: chr8-38429737-G-C. GRCh37 (hg19) VCF-style: chr8-38287255-G-C.
Other names: c.303C>G, p.Cys101Trp (NM_001174063.2, NM_001174065.2, NM_001354367.2 and 2 more transcripts); c.279C>G, p.Cys93Trp (NM_001174064.2); c.402C>G, p.Cys134Trp (NM_001174067.2); c.92-1302C>G (NM_001354368.2, NM_001354370.2, NM_023106.3 and 2 more transcripts); short protein forms C101W, C134W, C93W.
Identifiers: ClinVar variation 1307263 (VCV001307263.4), dbSNP rs142638017, ClinGen allele CA370736241.

ClinVar aggregate classification (germline): Uncertain significance. Review status: criteria provided, multiple submitters, no conflicts (2 of 4 stars). 3 submissions from 3 submitters: Uncertain significance (3). Last evaluated 2025-09-14.

Conditions:
Hypogonadotropic hypogonadism. Also called: Hypogonadotrophic hypogonadism; Isolated hypogonadotropic hypogonadism; Hypogonadotropic hypogonadism with or without anosmia; Low gonadotropins (secondary hypogonadism). Identifiers: Orphanet 432, MedGen C0271623, MONDO:0018555, HP:0000044.
Hypogonadotropic hypogonadism 2 with or without anosmia (HH2). Also called: HYPOGONADOTROPIC HYPOGONADISM 2 WITHOUT ANOSMIA; FGFR1-Related GnRH Deficiency (Kallmann Syndrome 2); HYPOGONADOTROPIC HYPOGONADISM 2 WITH OR WITHOUT ANOSMIA, SUSCEPTIBILITY TO; HYPOGONADOTROPIC HYPOGONADISM 2 WITHOUT ANOSMIA, SUSCEPTIBILITY TO. Identifiers: Orphanet 478, MedGen C1563720, MONDO:0007844, OMIM 147950. Disease mechanism: loss of function.
Pfeiffer syndrome (ACS5). Also called: ACS V. Identifiers: Orphanet 710, MedGen C0220658, MONDO:0007043, OMIM 101600.

Submissions (3):

Labcorp Genetics (formerly Invitae), Labcorp
Classification: Uncertain significance for Pfeiffer syndrome; Hypogonadotropic hypogonadism 2 with or without anosmia. Last evaluated: 2025-09-14. Review status: criteria provided, single submitter. Criteria: Invitae Variant Classification Sherloc (09022015). Collection method: clinical testing. Allele origin: germline.
Comment: This sequence change replaces cysteine, which is neutral and slightly polar, with tryptophan, which is neutral and slightly polar, at codon 101 of the FGFR1 protein (p.Cys101Trp). This variant is present in population databases (no rsID available, gnomAD 0.005%). This variant has not been reported in the literature in individuals affected with FGFR1-related conditions. ClinVar contains an entry for this variant (Variation ID: 1307263). Invitae Evidence Modeling of protein sequence and biophysical properties (such as structural, functional, and spatial information, amino acid conservation, physicochemical variation, residue mobility, and thermodynamic stability) has been performed for this missense variant. However, the output from this modeling did not meet the statistical confidence thresholds required to predict the impact of this variant on FGFR1 protein function. This variant disrupts the p.Cys101 amino acid residue in FGFR1. Other variant(s) that disrupt this residue have been determined to be pathogenic (PMID: 17154279). This suggests that this residue is clinically significant, and that variants that disrupt this residue are likely to be disease-causing. In summary, the available evidence is currently insufficient to determine the role of this variant in disease. Therefore, it has been classified as a Variant of Uncertain Significance.

NHS Central & South Genomic Laboratory Hub
Classification: Uncertain significance for Hypogonadotropic hypogonadism. Last evaluated: 2025-07-01. Review status: criteria provided, single submitter. Criteria: ACMG Guidelines, 2015. Collection method: clinical testing. Allele origin: germline. Affected: yes.

GeneDx
Classification: Uncertain significance. Last evaluated: 2019-09-12. Review status: criteria provided, single submitter. Criteria: GeneDx Variant Classification Process June 2021. Collection method: clinical testing. Allele origin: germline. Affected: yes.
Comment: In silico analysis, which includes protein predictors and evolutionary conservation, supports a deleterious effect; Has not been previously published as pathogenic or benign to our knowledge; Not observed in large population cohorts (Lek et al., 2016)

Literature cited by the submitters: PubMed 17154279 (cited by Labcorp Genetics (formerly Invitae), Labcorp).